The following is an entry in ClinVar:

ClinVar aggregate classification (germline): Uncertain significance (1 of 4 stars; one submission).

Conditions:
Inborn genetic diseases. Identifiers: MedGen C0950123, MeSH D030342.

Submission:

Ambry Genetics
Classification: Uncertain significance for Inborn genetic diseases. Last evaluated: 2023-12-24. Review status: criteria provided, single submitter. Criteria: Ambry Variant Classification Scheme 2023. Collection method: clinical testing. Allele origin: germline.
Comment: The p.V44L variant (also known as c.130G>C), located in coding exon 1 of the LRRK2 gene, results from a G to C substitution at nucleotide position 130. The valine at codon 44 is replaced by leucine, an amino acid with highly similar properties. This amino acid position is conserved. In addition, this alteration is predicted to be tolerated by in silico analysis. Since supporting evidence is limited at this time, the clinical significance of this alteration remains unclear.

NM_198578.4(LRRK2):c.130G>C (p.Val44Leu)

Gene: LRRK2 (leucine rich repeat kinase 2; plus strand). Cytogenetic location: 12q12.
Variant type: single nucleotide variant.
Coding change: c.130G>C on transcript NM_198578.4 (MANE Select); coding-DNA position 130, G replaced by C.
Protein change: p.Val44Leu; replaces valine 44 with leucine.
Molecular consequence: missense variant.
Genome position (GRCh38, 1-based): chr12:40,225,261, G>C. VCF-style: chr12-40225261-G-C. GRCh37 (hg19) VCF-style: chr12-40619063-G-C.
Other names: short protein forms V44L.
Identifiers: ClinVar variation 3229510 (VCV003229510.1), dbSNP rs77507662, ClinGen allele CA384398692.